The following is an entry in ClinVar:

NM_006904.7(PRKDC):c.5927T>G (p.Leu1976Arg)

Gene: PRKDC (protein kinase, DNA-activated, catalytic subunit; minus strand). Cytogenetic location: 8q11.21.
Variant type: single nucleotide variant.
Coding change: c.5927T>G on transcript NM_006904.7 (MANE Select); coding-DNA position 5927, T replaced by G.
Protein change: p.Leu1976Arg; replaces leucine 1976 with arginine.
Molecular consequence: missense variant.
Genome position (GRCh38, 1-based): chr8:47,862,120, A>C on the plus strand (T>G on the coding strand, the complement: PRKDC is on the minus strand). VCF-style: chr8-47862120-A-C. GRCh37 (hg19) VCF-style: chr8-48774681-A-C.
Other names: c.5927T>G, p.Leu1976Arg (NM_001081640.2); short protein forms L1976R.
Identifiers: ClinVar variation 1488059 (VCV001488059.4), dbSNP rs1255595740, ClinGen allele CA371162032.

ClinVar aggregate classification (germline): Uncertain significance (1 of 4 stars; one submission).

Conditions:
Severe combined immunodeficiency due to DNA-PKcs deficiency. Also called: IMMUNODEFICIENCY 26 WITH NEUROLOGIC ABNORMALITIES; Immunodeficiency 26 with or without neurologic abnormalities. Identifiers: Orphanet 317425, MedGen C4014833, MONDO:0014423, OMIM 615966.

Allele frequency attached by ClinVar (database versions not stated): gnomAD exomes below 0.00001; gnomAD 0.00002; TOPMed 0.00002.
gnomAD v4.1: 6 of 1,550,278 alleles (0.00039%); highest among the groups gnomAD compares: Non-Finnish European, 0.00052%; no homozygotes.

Submission:

Labcorp Genetics (formerly Invitae), Labcorp
Classification: Uncertain significance for Severe combined immunodeficiency due to DNA-PKcs deficiency. Last evaluated: 2021-12-03. Review status: criteria provided, single submitter. Criteria: Invitae Variant Classification Sherloc (09022015). Collection method: clinical testing. Allele origin: germline.
Comment: In summary, the available evidence is currently insufficient to determine the role of this variant in disease. Therefore, it has been classified as a Variant of Uncertain Significance. Experimental studies and prediction algorithms are not available or were not evaluated, and the functional significance of this variant is currently unknown. This variant has not been reported in the literature in individuals affected with PRKDC-related conditions. This variant is not present in population databases (gnomAD no frequency). This sequence change replaces leucine with arginine at codon 1976 of the PRKDC protein (p.Leu1976Arg). The leucine residue is moderately conserved and there is a moderate physicochemical difference between leucine and arginine.